The following is an entry in ClinVar:

NM_005431.2(XRCC2):c.805T>A (p.Phe269Ile)

Gene: XRCC2 (X-ray repair cross complementing 2; minus strand). Cytogenetic location: 7q36.1.
Variant type: single nucleotide variant.
Coding change: c.805T>A on transcript NM_005431.2 (MANE Select); coding-DNA position 805, T replaced by A.
Protein change: p.Phe269Ile; replaces phenylalanine 269 with isoleucine.
Molecular consequence: missense variant.
Genome position (GRCh38, 1-based): chr7:152,648,680, A>T on the plus strand (T>A on the coding strand, the complement: XRCC2 is on the minus strand). VCF-style: chr7-152648680-A-T. GRCh37 (hg19) VCF-style: chr7-152345765-A-T.
Other names: short protein forms F269I.
Identifiers: ClinVar variation 3224700 (VCV003224700.1), dbSNP rs761476473, ClinGen allele CA4582290.

ClinVar aggregate classification (germline): Uncertain significance (1 of 4 stars; one submission).

Conditions:
Hereditary cancer-predisposing syndrome. Also called: Tumor predisposition; Hereditary neoplastic syndrome; Hereditary Cancer Syndrome; Neoplastic Syndromes, Hereditary. Identifiers: Orphanet 140162, MedGen C0027672, MeSH D009386, MONDO:0015356.

Allele frequency attached by ClinVar (database versions not stated): ExAC 0.00001.

Submission:

Ambry Genetics
Classification: Uncertain significance for Hereditary cancer-predisposing syndrome. Last evaluated: 2023-09-17. Review status: criteria provided, single submitter. Criteria: Ambry Variant Classification Scheme 2023. Collection method: clinical testing. Allele origin: germline.
Comment: The p.F269I variant (also known as c.805T>A), located in coding exon 3 of the XRCC2 gene, results from a T to A substitution at nucleotide position 805. The phenylalanine at codon 269 is replaced by isoleucine, an amino acid with highly similar properties. This amino acid position is not well conserved in available vertebrate species. In addition, this alteration is predicted to be tolerated by in silico analysis. Since supporting evidence is limited at this time, the clinical significance of this alteration remains unclear.